The following is an entry in ClinVar:

NM_015355.4(SUZ12):c.2036C>T (p.Thr679Ile)

Gene: SUZ12 (SUZ12 polycomb repressive complex 2 subunit; plus strand). Cytogenetic location: 17q11.2.
Variant type: single nucleotide variant.
Coding change: c.2036C>T on transcript NM_015355.4 (MANE Select); coding-DNA position 2036, C replaced by T.
Protein change: p.Thr679Ile; replaces threonine 679 with isoleucine.
Molecular consequence: missense variant.
Genome position (GRCh38, 1-based): chr17:31,998,819, C>T. VCF-style: chr17-31998819-C-T. GRCh37 (hg19) VCF-style: chr17-30325838-C-T.
Other names: c.1967C>T, p.Thr656Ile (NM_001321207.2); short protein forms T656I, T679I.
Identifiers: ClinVar variation 3024941 (VCV003024941.22), dbSNP rs139363631, ClinGen allele CA8489872.

ClinVar aggregate classification (germline): Likely benign (1 of 4 stars; one submission).

Allele frequency attached by ClinVar (database versions not stated): 1000 Genomes Project 30x 0.00016; gnomAD exomes 0.00017; 1000 Genomes Project 0.00020; ExAC 0.00021; gnomAD 0.00027; TOPMed 0.00035; ESP Exome Variant Server 0.00046.
gnomAD v4.1: 319 of 1,613,624 alleles (0.02%); highest among the groups gnomAD compares: Middle Eastern, 0.63%; 1 homozygote.

Submission:

CeGaT Center for Human Genetics Tuebingen
Classification: Likely benign. Last evaluated: 2024-02-01. Review status: criteria provided, single submitter. Criteria: CeGaT Center For Human Genetics Tuebingen Variant Classification Criteria Version 2. Collection method: clinical testing. Allele origin: germline. Affected: yes. Observed: 2 variant alleles.
Comment: SUZ12: BS1